The following is an entry in ClinVar:

ClinVar aggregate classification (germline): Conflicting classifications of pathogenicity. Review status: criteria provided, conflicting classifications (1 of 4 stars). 2 submissions from 2 submitters: Uncertain significance (1); Likely benign (1). Last evaluated 2025-03-11.

Conditions:
Hereditary cancer-predisposing syndrome. Also called: Neoplastic Syndromes, Hereditary; Tumor predisposition; Hereditary neoplastic syndrome; Hereditary Cancer Syndrome. Identifiers: Orphanet 140162, MedGen C0027672, MeSH D009386, MONDO:0015356.
EGFR-related lung cancer (EGFR). Identifiers: MedGen CN130014.

Submissions (2):

Ambry Genetics
Classification: Likely benign for Hereditary cancer-predisposing syndrome. Last evaluated: 2025-03-11. Review status: criteria provided, single submitter. Criteria: Ambry Variant Classification Scheme 2023. Collection method: clinical testing. Allele origin: germline.

Labcorp Genetics (formerly Invitae), Labcorp
Classification: Uncertain significance for EGFR-related lung cancer. Last evaluated: 2022-08-09. Review status: criteria provided, single submitter. Criteria: Invitae Variant Classification Sherloc (09022015). Collection method: clinical testing. Allele origin: germline.
Comment: ClinVar contains an entry for this variant (Variation ID: 1372152). This variant has not been reported in the literature in individuals affected with EGFR-related conditions. This variant is not present in population databases (gnomAD no frequency). This sequence change replaces alanine, which is neutral and non-polar, with aspartic acid, which is acidic and polar, at codon 155 of the EGFR protein (p.Ala155Asp). Algorithms developed to predict the effect of missense changes on protein structure and function (SIFT, PolyPhen-2, Align-GVGD) all suggest that this variant is likely to be tolerated. In summary, the available evidence is currently insufficient to determine the role of this variant in disease. Therefore, it has been classified as a Variant of Uncertain Significance.

NM_005228.5(EGFR):c.464C>A (p.Ala155Asp)

Gene: EGFR (epidermal growth factor receptor; plus strand). Cytogenetic location: 7p11.2.
Variant type: single nucleotide variant.
Coding change: c.464C>A on transcript NM_005228.5 (MANE Select); coding-DNA position 464, C replaced by A.
Protein change: p.Ala155Asp; replaces alanine 155 with aspartic acid.
Molecular consequence: missense variant. On other transcripts: intron variant (3).
Genome position (GRCh38, 1-based): chr7:55,146,645, C>A. VCF-style: chr7-55146645-C-A. GRCh37 (hg19) VCF-style: chr7-55214338-C-A.
Other names: c.464C>A (NM_005228.3); c.464C>A, p.Ala155Asp (NM_001346898.2, NM_201282.2, NM_201283.2 and 1 more transcripts); c.305C>A, p.Ala102Asp (NM_001346900.2); c.424+3157C>A (NM_001346899.2, NM_001346897.2); c.89-9185C>A (NM_001346941.2); short protein forms A155D, A102D.
Identifiers: ClinVar variation 1372152 (VCV001372152.9), dbSNP rs2128929475, ClinGen allele CA367576543.